The following is an entry in ClinVar:

ClinVar aggregate classification (germline): Likely benign. Review status: criteria provided, multiple submitters, no conflicts (2 of 4 stars). 2 submissions from 2 submitters: Likely benign (2). Last evaluated 2023-11-16.

Submissions (2):

Women's Health and Genetics/Laboratory Corporation of America, LabCorp
Classification: Likely benign. Last evaluated: 2023-11-16. Review status: criteria provided, single submitter. Criteria: LabCorp Variant Classification Summary - May 2015. Collection method: clinical testing. Allele origin: germline.

GeneDx
Classification: Likely benign. Last evaluated: 2016-07-19. Review status: criteria provided, single submitter. Criteria: GeneDx Variant Classification (06012015). Collection method: clinical testing. Allele origin: germline. Affected: yes.
Comment: This variant is considered likely benign or benign based on one or more of the following criteria: it is a conservative change, it occurs at a poorly conserved position in the protein, it is predicted to be benign by multiple in silico algorithms, and/or has population frequency not consistent with disease.

NM_000834.5(GRIN2B):c.1099C>T (p.Leu367=)

Gene: GRIN2B (glutamate ionotropic receptor NMDA type subunit 2B; minus strand). Cytogenetic location: 12p13.1.
Variant type: single nucleotide variant.
Coding change: c.1099C>T on transcript NM_000834.5 (MANE Select); coding-DNA position 1099, C replaced by T.
Protein change: p.Leu367=; no amino-acid change (leucine 367 retained).
Molecular consequence: synonymous variant.
Genome position (GRCh38, 1-based): chr12:13,675,771, G>A on the plus strand (C>T on the coding strand, the complement: GRIN2B is on the minus strand). VCF-style: chr12-13675771-G-A. GRCh37 (hg19) VCF-style: chr12-13828705-G-A.
Identifiers: ClinVar variation 387877 (VCV000387877.2), dbSNP rs1057522928, ClinGen allele CA16607182.